The following is an entry in ClinVar:

NM_001556.3(IKBKB):c.815G>A (p.Arg272Gln)

Gene: IKBKB (inhibitor of nuclear factor kappa B kinase subunit beta; plus strand). Cytogenetic location: 8p11.21.
Variant type: single nucleotide variant.
Coding change: c.815G>A on transcript NM_001556.3 (MANE Select); coding-DNA position 815, G replaced by A.
Protein change: p.Arg272Gln; replaces arginine 272 with glutamine.
Molecular consequence: missense variant. On other transcripts: non-coding transcript variant (3).
Genome position (GRCh38, 1-based): chr8:42,316,224, G>A. VCF-style: chr8-42316224-G-A. GRCh37 (hg19) VCF-style: chr8-42173742-G-A.
Other names: c.623G>A, p.Arg208Gln (NM_001190720.3); c.638G>A, p.Arg213Gln (NM_001242778.2); short protein forms R213Q, R270Q, R272Q, R208Q.
Identifiers: ClinVar variation 691399 (VCV000691399.3), dbSNP rs200841053, ClinGen allele CA4731824.

ClinVar aggregate classification (germline): Uncertain significance. Review status: criteria provided, single submitter (1 of 4 stars). 2 submissions from 2 submitters: Uncertain significance (1). 1 of the submissions does not count toward it. Last evaluated 2024-10-29.

Conditions:
Severe combined immunodeficiency due to IKK2 deficiency. Also called: Immunodeficiency 15; IMMUNODEFICIENCY 15B. Identifiers: Orphanet 397787, MedGen C4747743, MONDO:0014267, OMIM 615592.
Aganglionic megacolon (HSCR). Also called: Hirschsprung's disease; Hirschsprung disease. Identifiers: Orphanet 388, MedGen C0019569, MeSH D006627, MONDO:0018309, HP:0002251.

Allele frequency attached by ClinVar (database versions not stated): gnomAD 0.00006; 1000 Genomes Project 0.00020; gnomAD exomes 0.00001 and 0.00003; TOPMed 0.00002; ExAC 0.00005; 1000 Genomes Project 30x 0.00016.
gnomAD v4.1: 29 of 1,614,094 alleles (0.0018%); highest among the groups gnomAD compares: East Asian, 0.016%; no homozygotes.

Submissions (2):

Labcorp Genetics (formerly Invitae), Labcorp
Classification: Uncertain significance for Severe combined immunodeficiency due to IKK2 deficiency. Last evaluated: 2024-10-29. Review status: criteria provided, single submitter. Criteria: Invitae Variant Classification Sherloc (09022015). Collection method: clinical testing. Allele origin: germline.
Comment: This sequence change replaces arginine, which is basic and polar, with glutamine, which is neutral and polar, at codon 272 of the IKBKB protein (p.Arg272Gln). This variant is present in population databases (rs200841053, gnomAD 0.02%). This variant has not been reported in the literature in individuals affected with IKBKB-related conditions. ClinVar contains an entry for this variant (Variation ID: 691399). Invitae Evidence Modeling of protein sequence and biophysical properties (such as structural, functional, and spatial information, amino acid conservation, physicochemical variation, residue mobility, and thermodynamic stability) indicates that this missense variant is not expected to disrupt IKBKB protein function with a negative predictive value of 95%. In summary, the available evidence is currently insufficient to determine the role of this variant in disease. Therefore, it has been classified as a Variant of Uncertain Significance.

Clinical Genetics, Erasmus University Medical Center
Classification: Uncertain significance for Hirschsprung Disease. Last evaluated: 2019-05-16. Review status: no assertion criteria provided. Collection method: clinical testing. Allele origin: germline. Affected: yes. Not counted in ClinVar's aggregate classification.